The following is an entry in ClinVar:

ClinVar aggregate classification (germline): Uncertain significance (1 of 4 stars; one submission).

Allele frequency attached by ClinVar (database versions not stated): ExAC 0.00002; ESP Exome Variant Server 0.00008.

Submission:

Labcorp Genetics (formerly Invitae), Labcorp
Classification: Uncertain significance. Last evaluated: 2022-09-14. Review status: criteria provided, single submitter. Criteria: Invitae Variant Classification Sherloc (09022015). Collection method: clinical testing. Allele origin: germline.
Comment: This variant is present in population databases (rs139897494, gnomAD 0.008%). This sequence change replaces arginine, which is basic and polar, with glutamine, which is neutral and polar, at codon 126 of the ARHGEF1 protein (p.Arg126Gln). This variant has not been reported in the literature in individuals affected with ARHGEF1-related conditions. Algorithms developed to predict the effect of missense changes on protein structure and function are either unavailable or do not agree on the potential impact of this missense change (SIFT: "Deleterious"; PolyPhen-2: "Benign"; Align-GVGD: "Class C35"). In summary, the available evidence is currently insufficient to determine the role of this variant in disease. Therefore, it has been classified as a Variant of Uncertain Significance.

NM_004706.4(ARHGEF1):c.332G>A (p.Arg111Gln)

Gene: ARHGEF1 (Rho guanine nucleotide exchange factor 1; plus strand). Cytogenetic location: 19q13.2.
Variant type: single nucleotide variant.
Coding change: c.332G>A on transcript NM_004706.4 (MANE Select); coding-DNA position 332, G replaced by A.
Protein change: p.Arg111Gln; replaces arginine 111 with glutamine.
Molecular consequence: missense variant. On other transcripts: non-coding transcript variant (2).
Genome position (GRCh38, 1-based): chr19:41,892,338, G>A. VCF-style: chr19-41892338-G-A. GRCh37 (hg19) VCF-style: chr19-42396409-G-A.
Other names: c.332G>A, p.Arg111Gln (NM_001396000.1, NM_001396003.1, NM_001396006.1); c.233G>A, p.Arg78Gln (NM_001396002.1, NM_001396004.1, NM_198977.2); c.377G>A, p.Arg126Gln (NM_199002.2); short protein forms R126Q, R78Q, R111Q.
Identifiers: ClinVar variation 1933216 (VCV001933216.5), dbSNP rs139897494, ClinGen allele CA9465871.
Genomic context (GRCh38, chr19:41,892,338, plus strand): 5'-TGCATCTCAGCACACCAAGTCCTCCTCTTCACCCCATTCTCTCTCTTGAGCAGGTTCTCC[G>A]GGTGCCGGTCCCTCCCAACGTCGCCTTTGAACTTGGTAAGGAGAAGGATGGGATGAGGGA-3'
Protein context (NP_004697.2, residues 101-121): HSFLEKTAVL[Arg111Gln]VPVPPNVAFE